The following is an entry in ClinVar:

ClinVar aggregate classification (germline): Benign (1 of 4 stars; one submission).

Allele frequency attached by ClinVar (database versions not stated): 1000 Genomes Project 30x 0.00531; 1000 Genomes Project 0.00559; TOPMed 0.00995; ExAC 0.01034; gnomAD 0.01042; ESP Exome Variant Server 0.01099; gnomAD exomes 0.01286.
gnomAD v4.1: 20,282 of 1,613,864 alleles (1.3%); highest among the groups gnomAD compares: Non-Finnish European, 1.4%; 150 homozygotes.

Submission:

CeGaT Center for Human Genetics Tuebingen
Classification: Benign. Last evaluated: 2026-09-01. Review status: criteria provided, single submitter. Criteria: CeGaT Center For Human Genetics Tuebingen Variant Classification Criteria Version 2. Collection method: clinical testing. Allele origin: germline. Affected: yes. Observed: 44 variant alleles.
Comment: LTBP1: BP4, BS1, BS2

NM_206943.4(LTBP1):c.2870-5C>T

Gene: LTBP1 (latent transforming growth factor beta binding protein 1; plus strand). Cytogenetic location: 2p22.3.
Variant type: single nucleotide variant.
Coding change: c.2870-5C>T on transcript NM_206943.4 (MANE Select); 5 bases into the intron before coding-DNA position 2870, C replaced by T.
Molecular consequence: intron variant.
Genome position (GRCh38, 1-based): chr2:33,275,796, C>T. VCF-style: chr2-33275796-C-T. GRCh37 (hg19) VCF-style: chr2-33500863-C-T.
Other names: c.2711-5C>T (NM_001394905.1); c.1649-5C>T (NM_001394916.1); c.1892-5C>T (NM_000627.4, NM_001394912.1, NM_001166264.2 and 2 more transcripts); c.1766-5C>T (NM_001394909.1, NM_001394917.1); c.1889-5C>T (NM_001394906.1, NM_001394910.1, NM_001394919.1); c.1763-5C>T (NM_001394911.1); c.1808-5C>T (NM_001394915.1); c.1682-5C>T (NM_001394914.1); and 4 more.
Identifiers: ClinVar variation 2498815 (VCV002498815.27), dbSNP rs61754246, ClinGen allele CA1607547.